The following is an entry in ClinVar:

NM_001199180.2(ATP2C1):c.73T>G (p.Leu25Val)

Gene: ATP2C1 (ATPase secretory pathway Ca2+ transporting 1; plus strand). Cytogenetic location: 3q22.1.
Variant type: single nucleotide variant.
Coding change: c.73T>G on transcript NM_001199180.2; coding-DNA position 73, T replaced by G.
Protein change: p.Leu25Val; replaces leucine 25 with valine.
Molecular consequence: missense variant.
Genome position (GRCh38, 1-based): chr3:130,850,893, T>G. VCF-style: chr3-130850893-T-G. GRCh37 (hg19) VCF-style: chr3-130569737-T-G.
Other names: c.73T>G, p.Leu25Val (NM_001199181.3, NM_001199182.2, NM_001378511.1); short protein forms L25V.
Identifiers: ClinVar variation 4279893 (VCV004279893.1).

ClinVar aggregate classification (germline): Uncertain significance (1 of 4 stars; one submission).

Conditions:
Familial benign pemphigus (HHD). Identifiers: Orphanet 2841, MedGen C0085106, MONDO:0008218, OMIM 169600.

gnomAD v4.1: 34 of 1,423,294 alleles (0.0024%); highest among the groups gnomAD compares: Middle Eastern, 0.018%; no homozygotes.

Submission:

Clinical Genomics Laboratory, Washington University in St. Louis
Classification: Uncertain significance for Familial benign pemphigus. Last evaluated: 2025-08-03. Review status: criteria provided, single submitter. Criteria: ACMG Guidelines, 2015. Collection method: clinical testing. Allele origin: germline.
Comment: An ATP2C1 c.73T>G (p.Leu25Val) variant was identified at a near heterozygous allelic fraction of 46.9%, a frequency which may be consistent with it being of germline origin. This variant, to our knowledge, has not been reported in the medical literature. It is observed in 34/1,423,294 alleles in the general population (gnomAD v4.1.0). Computational predictors suggest that the variant does not impact ATP2C1 function. Please note that this variant is not found in the coding portion of the canonical transcript. Due to limited information, and based on ACMG/AMP guidelines for variant interpretation (Richards S et al., PMID: 25741868), the clinical significance of this variant is uncertain at this time.